The following is an entry in ClinVar:

NM_003094.4(SNRPE):c.14G>C (p.Gly5Ala)

Genes: SNRPE (small nuclear ribonucleoprotein polypeptide E; plus strand), LOC112577531 (Sharpr-MPRA regulatory region 5904; plus strand). Cytogenetic location: 1q32.1.
Variant type: single nucleotide variant.
Coding change: c.14G>C on transcript NM_003094.4 (MANE Select); coding-DNA position 14, G replaced by C.
Protein change: p.Gly5Ala; replaces glycine 5 with alanine.
Molecular consequence: missense variant. On other transcripts: 5 prime UTR variant (1), non-coding transcript variant (1).
Genome position (GRCh38, 1-based): chr1:203,861,673, G>C. VCF-style: chr1-203861673-G-C. GRCh37 (hg19) VCF-style: chr1-203830801-G-C.
Other names: c.-55G>C (NM_001304464.2); short protein forms G5A.
Identifiers: ClinVar variation 2893866 (VCV002893866.3), dbSNP rs760992473, ClinGen allele CA1343432.

ClinVar aggregate classification (germline): Uncertain significance (1 of 4 stars; one submission).

Allele frequency attached by ClinVar (database versions not stated): ExAC 0.00001; TOPMed 0.00002; gnomAD 0.00003; gnomAD exomes 0.00004.
gnomAD v4.1: 65 of 1,613,352 alleles (0.004%); highest among the groups gnomAD compares: Non-Finnish European, 0.0054%; no homozygotes.

Submission:

Labcorp Genetics (formerly Invitae), Labcorp
Classification: Uncertain significance. Last evaluated: 2023-05-29. Review status: criteria provided, single submitter. Criteria: Invitae Variant Classification Sherloc (09022015). Collection method: clinical testing. Allele origin: germline.
Comment: This variant has not been reported in the literature in individuals affected with SNRPE-related conditions. This variant is present in population databases (rs760992473, gnomAD 0.005%). This sequence change replaces glycine, which is neutral and non-polar, with alanine, which is neutral and non-polar, at codon 5 of the SNRPE protein (p.Gly5Ala). An algorithm developed to predict the effect of missense changes on protein structure and function (PolyPhen-2) suggests that this variant is likely to be tolerated. In summary, the available evidence is currently insufficient to determine the role of this variant in disease. Therefore, it has been classified as a Variant of Uncertain Significance.